The following is an entry in ClinVar:

NM_005188.4(CBL):c.1195C>G (p.Leu399Val)

Gene: CBL (Cbl proto-oncogene; plus strand). Cytogenetic location: 11q23.3.
Variant type: single nucleotide variant.
Coding change: c.1195C>G on transcript NM_005188.4 (MANE Select); coding-DNA position 1195, C replaced by G.
Protein change: p.Leu399Val; replaces leucine 399 with valine.
Molecular consequence: missense variant.
Genome position (GRCh38, 1-based): chr11:119,278,265, C>G. VCF-style: chr11-119278265-C-G. GRCh37 (hg19) VCF-style: chr11-119148975-C-G.
Other names: short protein forms L399V.
Identifiers: ClinVar variation 5020146 (VCV005020146.1).

ClinVar aggregate classification (germline): Uncertain significance (1 of 4 stars; one submission).

gnomAD v4.1: 1 of 1,613,582 alleles (0.000062%); highest among the groups gnomAD compares: Non-Finnish European, 0.000085%; no homozygotes.

Submission:

Dasa
Classification: Uncertain significance. Last evaluated: 2026-07-23. Review status: criteria provided, single submitter. Criteria: DASA Assertion Criteria. Collection method: clinical testing. Allele origin: germline.
Comment: NM_005188.4(CBL):c.1195C>G (p.Leu399Val) is a missense variant that results in the substitution of leucine with valine. The affected residue or protein region has prior evidence supporting clinical relevance. This variant is rare in population databases. Computational prediction algorithms are consistent with a deleterious effect. The currently available literature and clinical evidence are not sufficient to establish a definitive association between this variant and the reported condition. Therefore, this variant is classified as a variant of uncertain significance.